The following is an entry in ClinVar:

NM_020964.3(EPG5):c.5761A>T (p.Ser1921Cys)

Gene: EPG5 (ectopic P-granules 5 autophagy tethering factor; minus strand). Cytogenetic location: 18q12.3.
Variant type: single nucleotide variant.
Coding change: c.5761A>T on transcript NM_020964.3 (MANE Select); coding-DNA position 5761, A replaced by T.
Protein change: p.Ser1921Cys; replaces serine 1921 with cysteine.
Molecular consequence: missense variant.
Genome position (GRCh38, 1-based): chr18:45,879,121, T>A on the plus strand (A>T on the coding strand, the complement: EPG5 is on the minus strand). VCF-style: chr18-45879121-T-A. GRCh37 (hg19) VCF-style: chr18-43459086-T-A.
Other names: short protein forms S1921C.
Identifiers: ClinVar variation 1063612 (VCV001063612.10), dbSNP rs2145393709, ClinGen allele CA402342738.
Genomic context (GRCh38, chr18:45,879,121, plus strand): 5'-AGTCAATCAGCCTTTTCACAAGGTAGCCCAAGAATGTCTTCACATCAGCCATATAAGGAC[T>A]CCATTTTGAGAATAAACCAAAGCTTTTAAAGTCCATCTTGGATAACCGAAGCTTATAAAA-3'
Protein context (NP_066015.2, residues 1911-1931): FKSFGLFSKW[Ser1921Cys]PYMADVKTFL

ClinVar aggregate classification (germline): Uncertain significance (1 of 4 stars; one submission).

Conditions:
Vici syndrome (VICIS). Identifiers: Orphanet 1493, MedGen C1855772, MONDO:0009452, OMIM 242840.

Submission:

Labcorp Genetics (formerly Invitae), Labcorp
Classification: Uncertain significance for Vici syndrome. Last evaluated: 2021-01-22. Review status: criteria provided, single submitter. Criteria: Invitae Variant Classification Sherloc (09022015). Collection method: clinical testing. Allele origin: germline.
Comment: This sequence change replaces serine with cysteine at codon 1921 of the EPG5 protein (p.Ser1921Cys). The serine residue is moderately conserved and there is a moderate physicochemical difference between serine and cysteine. This variant is not present in population databases (ExAC no frequency). This variant has not been reported in the literature in individuals with EPG5-related conditions. Algorithms developed to predict the effect of missense changes on protein structure and function are either unavailable or do not agree on the potential impact of this missense change (SIFT: "Deleterious"; PolyPhen-2: "Possibly Damaging"; Align-GVGD: "Class C0"). In summary, the available evidence is currently insufficient to determine the role of this variant in disease. Therefore, it has been classified as a Variant of Uncertain Significance.